The following is an entry in ClinVar:

ClinVar aggregate classification (germline): Likely benign. Review status: criteria provided, single submitter (1 of 4 stars). 2 submissions from 2 submitters: Likely benign (1). 1 of the submissions does not count toward it. Last evaluated 2025-03-19.

Conditions:
PCNT-related disorder. Also called: PCNT-related condition.

Allele frequency attached by ClinVar (database versions not stated): gnomAD exomes 0.00001.
gnomAD v4.1: 14 of 1,577,282 alleles (0.00089%); highest among the groups gnomAD compares: Non-Finnish European, 0.001%; no homozygotes.

Submissions (2):

Labcorp Genetics (formerly Invitae), Labcorp
Classification: Likely benign. Last evaluated: 2025-03-19. Review status: criteria provided, single submitter. Criteria: Invitae Variant Classification Sherloc (09022015). Collection method: clinical testing. Allele origin: germline.

PreventionGenetics, part of Exact Sciences
Classification: Likely benign for PCNT-related condition. Last evaluated: 2022-01-11. Review status: no assertion criteria provided. Collection method: clinical testing. Allele origin: germline. Not counted in ClinVar's aggregate classification.
Comment: This variant is classified as likely benign based on ACMG/AMP sequence variant interpretation guidelines (Richards et al. 2015 PMID: 25741868, with internal and published modifications).

NM_006031.6(PCNT):c.4963-9T>G

Gene: PCNT (pericentrin; plus strand). Cytogenetic location: 21q22.3.
Variant type: single nucleotide variant.
Coding change: c.4963-9T>G on transcript NM_006031.6 (MANE Select); 9 bases into the intron before coding-DNA position 4963, T replaced by G.
Molecular consequence: intron variant.
Genome position (GRCh38, 1-based): chr21:46,402,322, T>G. VCF-style: chr21-46402322-T-G. GRCh37 (hg19) VCF-style: chr21-47822236-T-G.
Other names: c.4609-9T>G (NM_001315529.2); c.4963-9T>G (NM_006031.5).
Identifiers: ClinVar variation 3018427 (VCV003018427.4), dbSNP rs1264231047, ClinGen allele CA638211402.